The following is an entry in ClinVar:

NM_002449.5(MSX2):c.-17C>G

Gene: MSX2 (msh homeobox 2; plus strand). Cytogenetic location: 5q35.2.
Variant type: single nucleotide variant.
Coding change: c.-17C>G on transcript NM_002449.5 (MANE Select); 17 bases upstream of the start codon, C replaced by G.
Molecular consequence: 5 prime UTR variant.
Genome position (GRCh38, 1-based): chr5:174,724,643, C>G. VCF-style: chr5-174724643-C-G. GRCh37 (hg19) VCF-style: chr5-174151646-C-G.
Other names: NC_000005.9:g.174151646C>G; c.-17C>G (NM_001363626.2).
Identifiers: ClinVar variation 352836 (VCV000352836.9), dbSNP rs4647952, ClinGen allele CA3565080.

ClinVar aggregate classification (germline): Benign/Likely benign. Review status: criteria provided, multiple submitters, no conflicts (2 of 4 stars). 4 submissions from 3 submitters: Benign (3); Likely benign (1). Last evaluated 2024-11-26.

Conditions:
Parietal foramina 1 (PFM1). Also called: FORAMINA PARIETALIA PERMAGNA; PARIETAL FORAMINA, SYMMETRIC. Identifiers: Orphanet 60015, MedGen C1868599, MONDO:0008197, OMIM 168500.
Craniosynostosis 2 (CRS2). Also called: Warman-Mulliken-Hayward syndrome; Craniosynostosis Warman type; Craniosynostosis Boston type. Identifiers: Orphanet 1541, MedGen C1858160, MONDO:0011481, OMIM 604757.

Allele frequency attached by ClinVar (database versions not stated): 1000 Genomes Project 0.01358; 1000 Genomes Project 30x 0.01374; ESP Exome Variant Server 0.02434; TOPMed 0.02566; gnomAD exomes 0.02995; gnomAD 0.03140; ExAC 0.04899.
gnomAD v4.1: 52,649 of 1,579,412 alleles (3.3%); highest among the groups gnomAD compares: Non-Finnish European, 3.6%; 1,013 homozygotes.

Submissions (14):

Blueprint Genetics
Classification: Likely benign. Last evaluated: 2024-11-26. Review status: criteria provided, single submitter. Criteria: ACMG Guidelines, 2015. Collection method: clinical testing. Allele origin: germline.

GeneDx
Classification: Benign. Last evaluated: 2018-12-24. Review status: criteria provided, single submitter. Criteria: GeneDx Variant Classification Process June 2021. Collection method: clinical testing. Allele origin: germline. Affected: yes.

Illumina Laboratory Services, Illumina
Classification: Benign for Parietal foramina 1. Last evaluated: 2018-01-13. Review status: criteria provided, single submitter. Criteria: ICSL Variant Classification Criteria 13 December 2019. Collection method: clinical testing. Allele origin: germline.
Comment: This variant was observed in the ICSL laboratory as part of a predisposition screen in an ostensibly healthy population. It had not been previously curated by ICSL or reported in the Human Gene Mutation Database (HGMD: prior to June 1st, 2018), and was therefore a candidate for classification through an automated scoring system. Utilizing variant allele frequency, disease prevalence and penetrance estimates, and inheritance mode, an automated score was calculated to assess if this variant is too frequent to cause the disease. Based on the score and internal cut-off values, a variant classified as benign is not then subjected to further curation. The score for this variant resulted in a classification of benign for this disease.

Illumina Laboratory Services, Illumina
Classification: Benign for Craniosynostosis 2. Last evaluated: 2018-01-13. Review status: criteria provided, single submitter. Criteria: ICSL Variant Classification Criteria 13 December 2019. Collection method: clinical testing. Allele origin: germline.
Comment: the same text as in the submission from Illumina Laboratory Services, Illumina above.

Dr. Peter K. Rogan Lab, Western University
No classification provided (evidence only). Condition: Lung cancer. Review status: no classification provided. Collection method: in vitro. Allele origin: not applicable. Functional consequence: retained intron. Not counted in ClinVar's aggregate classification.

Dr. Peter K. Rogan Lab, Western University
No classification provided (evidence only). Condition: Lung cancer. Review status: no classification provided. Collection method: in vitro. Allele origin: not applicable. Functional consequence: retained intron. Not counted in ClinVar's aggregate classification.

Dr. Peter K. Rogan Lab, Western University
No classification provided (evidence only). Condition: Thyroid cancer, nonmedullary, 1. Review status: no classification provided. Collection method: in vitro. Allele origin: not applicable. Functional consequence: retained intron. Not counted in ClinVar's aggregate classification.

Dr. Peter K. Rogan Lab, Western University
No classification provided (evidence only). Condition: Thyroid cancer, nonmedullary, 1. Review status: no classification provided. Collection method: in vitro. Allele origin: not applicable. Functional consequence: retained intron. Not counted in ClinVar's aggregate classification.

Dr. Peter K. Rogan Lab, Western University
No classification provided (evidence only). Condition: Thyroid cancer, nonmedullary, 1. Review status: no classification provided. Collection method: in vitro. Allele origin: not applicable. Functional consequence: retained intron. Not counted in ClinVar's aggregate classification.

Dr. Peter K. Rogan Lab, Western University
No classification provided (evidence only). Condition: Glioma susceptibility 1. Review status: no classification provided. Collection method: in vitro. Allele origin: not applicable. Functional consequence: retained intron. Not counted in ClinVar's aggregate classification.

Dr. Peter K. Rogan Lab, Western University
No classification provided (evidence only). Condition: Cervical cancer. Review status: no classification provided. Collection method: in vitro. Allele origin: not applicable. Functional consequence: retained intron. Not counted in ClinVar's aggregate classification.

Dr. Peter K. Rogan Lab, Western University
No classification provided (evidence only). Condition: Ovarian serous cystadenocarcinoma. Review status: no classification provided. Collection method: in vitro. Allele origin: not applicable. Functional consequence: retained intron. Not counted in ClinVar's aggregate classification.

Dr. Peter K. Rogan Lab, Western University
No classification provided (evidence only). Condition: Gastric cancer. Review status: no classification provided. Collection method: in vitro. Allele origin: not applicable. Functional consequence: retained intron. Not counted in ClinVar's aggregate classification.

Dr. Peter K. Rogan Lab, Western University
No classification provided (evidence only). Condition: Malignant tumor of esophagus. Review status: no classification provided. Collection method: in vitro. Allele origin: not applicable. Functional consequence: retained intron. Not counted in ClinVar's aggregate classification.